The following is an entry in ClinVar:

NM_004168.4(SDHA):c.792C>G (p.Phe264Leu)

Gene: SDHA (succinate dehydrogenase complex flavoprotein subunit A; plus strand). Cytogenetic location: 5p15.33.
Variant type: single nucleotide variant.
Coding change: c.792C>G on transcript NM_004168.4 (MANE Select); coding-DNA position 792, C replaced by G.
Protein change: p.Phe264Leu; replaces phenylalanine 264 with leucine.
Molecular consequence: missense variant.
Genome position (GRCh38, 1-based): chr5:230,897, C>G. VCF-style: chr5-230897-C-G. GRCh37 (hg19) VCF-style: chr5-231012-C-G.
Other names: c.648C>G, p.Phe216Leu (NM_001294332.2); c.792C>G, p.Phe264Leu (NM_001330758.2); short protein forms F264L, F216L.
Identifiers: ClinVar variation 472403 (VCV000472403.18), dbSNP rs1237513803, ClinGen allele CA359011581.

ClinVar aggregate classification (germline): Uncertain significance. Review status: criteria provided, multiple submitters, no conflicts (2 of 4 stars). 3 submissions from 3 submitters: Uncertain significance (3). Last evaluated 2025-07-20.

Conditions:
Mitochondrial complex II deficiency, nuclear type 1. Also called: SUCCINATE CoQ REDUCTASE DEFICIENCY. Identifiers: Orphanet 3208, MedGen C5700310, MONDO:0100294, OMIM 252011.
Pheochromocytoma/paraganglioma syndrome 5. Also called: Paragangliomas 5; SDHA-Related Hereditary Paraganglioma-Pheochromocytoma Syndrome. Identifiers: Orphanet 29072, MedGen C3279992, MONDO:0013602, OMIM 614165.
Hereditary cancer-predisposing syndrome. Also called: Neoplastic Syndromes, Hereditary; Hereditary Cancer Syndrome; Hereditary neoplastic syndrome; Tumor predisposition. Identifiers: Orphanet 140162, MedGen C0027672, MeSH D009386, MONDO:0015356.

Allele frequency attached by ClinVar (database versions not stated): gnomAD exomes 0.00001.
gnomAD v4.1: 3 of 1,614,112 alleles (0.00019%); highest among the groups gnomAD compares: East Asian, 0.0022%; no homozygotes.

Submissions (3):

Ambry Genetics
Classification: Uncertain significance for Hereditary cancer-predisposing syndrome. Last evaluated: 2025-07-20. Review status: criteria provided, single submitter. Criteria: Ambry Variant Classification Scheme 2023. Collection method: clinical testing. Allele origin: germline.
Comment: The p.F264L variant (also known as c.792C>G), located in coding exon 7 of the SDHA gene, results from a C to G substitution at nucleotide position 792. The phenylalanine at codon 264 is replaced by leucine, an amino acid with highly similar properties. This amino acid position is highly conserved in available vertebrate species. In addition, the in silico prediction for this alteration is inconclusive. Since supporting evidence is limited at this time, the clinical significance of this alteration remains unclear.

Labcorp Genetics (formerly Invitae), Labcorp
Classification: Uncertain significance for Pheochromocytoma/paraganglioma syndrome 5; Mitochondrial complex II deficiency, nuclear type 1. Last evaluated: 2024-12-05. Review status: criteria provided, single submitter. Criteria: Invitae Variant Classification Sherloc (09022015). Collection method: clinical testing. Allele origin: germline.
Comment: This sequence change replaces phenylalanine, which is neutral and non-polar, with leucine, which is neutral and non-polar, at codon 264 of the SDHA protein (p.Phe264Leu). This variant is present in population databases (rs1126415, gnomAD 0.006%). This variant has not been reported in the literature in individuals affected with SDHA-related conditions. ClinVar contains an entry for this variant (Variation ID: 472403). Invitae Evidence Modeling of protein sequence and biophysical properties (such as structural, functional, and spatial information, amino acid conservation, physicochemical variation, residue mobility, and thermodynamic stability) indicates that this missense variant is not expected to disrupt SDHA protein function with a negative predictive value of 95%. In summary, the available evidence is currently insufficient to determine the role of this variant in disease. Therefore, it has been classified as a Variant of Uncertain Significance.

Genetic Services Laboratory, University of Chicago
Classification: Uncertain significance. Last evaluated: 2019-07-23. Review status: criteria provided, single submitter. Criteria: ACMG Guidelines, 2015. Collection method: clinical testing. Allele origin: germline. Affected: no.